The following is an entry in ClinVar:

ClinVar aggregate classification (germline): Uncertain significance (1 of 4 stars; one submission).

Submission:

Labcorp Genetics (formerly Invitae), Labcorp
Classification: Uncertain significance. Last evaluated: 2021-05-18. Review status: criteria provided, single submitter. Criteria: Invitae Variant Classification Sherloc (09022015). Collection method: clinical testing. Allele origin: germline.
Comment: This sequence change replaces leucine with glutamine at codon 237 of the CACNA1F protein (p.Leu237Gln). The leucine residue is highly conserved and there is a moderate physicochemical difference between leucine and glutamine. In summary, the available evidence is currently insufficient to determine the role of this variant in disease. Therefore, it has been classified as a Variant of Uncertain Significance. Algorithms developed to predict the effect of sequence changes on RNA splicing suggest that this variant may create or strengthen a splice site, but this prediction has not been confirmed by published transcriptional studies. Algorithms developed to predict the effect of missense changes on protein structure and function are either unavailable or do not agree on the potential impact of this missense change (SIFT: "Deleterious"; PolyPhen-2: "Probably Damaging"; Align-GVGD: "Class C0"). This variant has not been reported in the literature in individuals with CACNA1F-related conditions. This variant is not present in population databases (ExAC no frequency).

NM_001256789.3(CACNA1F):c.710T>A (p.Leu237Gln)

Gene: CACNA1F (calcium voltage-gated channel subunit alpha1 F; minus strand). Cytogenetic location: Xp11.23.
Variant type: single nucleotide variant.
Coding change: c.710T>A on transcript NM_001256789.3 (MANE Select); coding-DNA position 710, T replaced by A.
Protein change: p.Leu237Gln; replaces leucine 237 with glutamine.
Molecular consequence: missense variant.
Genome position (GRCh38, 1-based): chrX:49,230,327, A>T on the plus strand (T>A on the coding strand, the complement: CACNA1F is on the minus strand). VCF-style: chrX-49230327-A-T. GRCh37 (hg19) VCF-style: chrX-49086789-A-T.
Other names: c.515T>A, p.Leu172Gln (NM_001256790.3); c.710T>A, p.Leu237Gln (NM_005183.4); short protein forms L172Q, L237Q.
Identifiers: ClinVar variation 1354578 (VCV001354578.8), dbSNP rs2147924072, ClinGen allele CA412924768.